The following is an entry in ClinVar:

NM_001371986.1(UNC80):c.3221C>T (p.Ser1074Phe)

Gene: UNC80 (unc-80 subunit of NALCN channel complex; plus strand). Cytogenetic location: 2q34.
Variant type: single nucleotide variant.
Coding change: c.3221C>T on transcript NM_001371986.1 (MANE Select); coding-DNA position 3221, C replaced by T.
Protein change: p.Ser1074Phe; replaces serine 1074 with phenylalanine.
Molecular consequence: missense variant.
Genome position (GRCh38, 1-based): chr2:209,839,401, C>T. VCF-style: chr2-209839401-C-T. GRCh37 (hg19) VCF-style: chr2-210704125-C-T.
Other names: c.3221C>T, p.Ser1074Phe (NM_032504.2); c.3206C>T, p.Ser1069Phe (NM_182587.4); short protein forms S1074F, S1069F.
Identifiers: ClinVar variation 2015773 (VCV002015773.4), dbSNP rs2471002451, ClinGen allele CA350412442.

ClinVar aggregate classification (germline): Uncertain significance (1 of 4 stars; one submission).

Submission:

Labcorp Genetics (formerly Invitae), Labcorp
Classification: Uncertain significance. Last evaluated: 2022-07-10. Review status: criteria provided, single submitter. Criteria: Invitae Variant Classification Sherloc (09022015). Collection method: clinical testing. Allele origin: germline.
Comment: In summary, the available evidence is currently insufficient to determine the role of this variant in disease. Therefore, it has been classified as a Variant of Uncertain Significance. Algorithms developed to predict the effect of missense changes on protein structure and function are either unavailable or do not agree on the potential impact of this missense change (SIFT: "Not Available"; PolyPhen-2: "Probably Damaging"; Align-GVGD: "Not Available"). This variant has not been reported in the literature in individuals affected with UNC80-related conditions. This variant is not present in population databases (gnomAD no frequency). This sequence change replaces serine, which is neutral and polar, with phenylalanine, which is neutral and non-polar, at codon 1074 of the UNC80 protein (p.Ser1074Phe).